The following is an entry in ClinVar:

ClinVar aggregate classification (germline): Uncertain significance (1 of 4 stars; one submission).

Allele frequency attached by ClinVar (database versions not stated): gnomAD exomes below 0.00001; gnomAD 0.00001; TOPMed 0.00001.

Submission:

Labcorp Genetics (formerly Invitae), Labcorp
Classification: Uncertain significance. Last evaluated: 2022-03-19. Review status: criteria provided, single submitter. Criteria: Invitae Variant Classification Sherloc (09022015). Collection method: clinical testing. Allele origin: germline.
Comment: In summary, the available evidence is currently insufficient to determine the role of this variant in disease. Therefore, it has been classified as a Variant of Uncertain Significance. Algorithms developed to predict the effect of missense changes on protein structure and function output the following: SIFT: "Tolerated"; PolyPhen-2: "Benign"; Align-GVGD: "Class C0". The alanine amino acid residue is found in multiple mammalian species, which suggests that this missense change does not adversely affect protein function. This variant has not been reported in the literature in individuals affected with IRF2BP2-related conditions. This variant is present in population databases (no rsID available, gnomAD 0.02%). This sequence change replaces threonine, which is neutral and polar, with alanine, which is neutral and non-polar, at codon 275 of the IRF2BP2 protein (p.Thr275Ala).

NM_182972.3(IRF2BP2):c.823A>G (p.Thr275Ala)

Gene: IRF2BP2 (interferon regulatory factor 2 binding protein 2; minus strand). Cytogenetic location: 1q42.3.
Variant type: single nucleotide variant.
Coding change: c.823A>G on transcript NM_182972.3 (MANE Select); coding-DNA position 823, A replaced by G.
Protein change: p.Thr275Ala; replaces threonine 275 with alanine.
Molecular consequence: missense variant.
Genome position (GRCh38, 1-based): chr1:234,608,672, T>C on the plus strand (A>G on the coding strand, the complement: IRF2BP2 is on the minus strand). VCF-style: chr1-234608672-T-C. GRCh37 (hg19) VCF-style: chr1-234744418-T-C.
Other names: c.823A>G, p.Thr275Ala (NM_001077397.1); short protein forms T275A.
Identifiers: ClinVar variation 1495490 (VCV001495490.8), dbSNP rs1206755582, ClinGen allele CA345308271.
Genomic context (GRCh38, chr1:234,608,672, plus strand): 5'-CTCCAGACCCGCGGCTCTTGCCCGCACCTTCCGCGCTCAGCTCGGCGGCCCCGGCCGCGG[T>C]GGACAGGCTGTCGGCCGGGCCCCGGTGCGCAGGCGGCGGCGGTTGTTTCTCCTTGGCTGC-3'
Protein context (NP_892017.2, residues 265-285): AHRGPADSLS[Thr275Ala]AAGAAELSAE